The following is an entry in ClinVar:

NM_004260.4(RECQL4):c.3025del (p.Gln1009fs)

Gene: RECQL4 (RecQ like helicase 4; minus strand). Cytogenetic location: 8q24.3.
Variant type: Deletion.
Coding change: c.3025del on transcript NM_004260.4 (MANE Select); coding-DNA position 3025, one base deleted (C; older notation c.3025delC).
Protein change: p.Gln1009fs; shifts the reading frame from glutamine 1009.
Molecular consequence: frameshift variant. On other transcripts: non-coding transcript variant (3).
Genome position (GRCh38, 1-based): chr8:144,512,422, G deleted on the plus strand (C on the coding strand, the reverse complement: RECQL4 is on the minus strand); the first of 2 consecutive G bases (chr8:144,512,422-144,512,423); deleting either gives the same sequence. VCF-style (leftmost placement, unchanged base first): chr8-144512421-TG-T. GRCh37 (hg19) VCF-style: chr8-145737804-TG-T.
Other names: c.2731del, p.Gln911fs (NM_001413017.1); c.2827del, p.Gln943fs (NM_001413018.1); c.3100del, p.Gln1034fs (NM_001413019.1); c.2929del, p.Gln977fs (NM_001413020.1); c.1954del, p.Gln652fs (NM_001413021.1, NM_001413022.1, NM_001413024.1 and 4 more transcripts); c.2029del, p.Gln677fs (NM_001413023.1); c.2896del, p.Gln966fs (NM_001413025.1); c.1888del, p.Gln630fs (NM_001413027.1, NM_001413030.1, NM_001413032.1); and 9 more; short protein forms Q1034fs, Q520fs, Q642fs, Q655fs, Q892fs, Q999fs, Q586fs, Q630fs.
Identifiers: ClinVar variation 2760658 (VCV002760658.3), dbSNP rs1165502618, ClinGen allele CA586165203.

ClinVar aggregate classification (germline): Pathogenic (1 of 4 stars; one submission).

Conditions:
Baller-Gerold syndrome (BGS). Also called: CRANIOSYNOSTOSIS WITH RADIAL DEFECTS. Identifiers: Orphanet 1225, MedGen C0265308, MONDO:0009039, OMIM 218600.

Submission:

Labcorp Genetics (formerly Invitae), Labcorp
Classification: Pathogenic for Baller-Gerold syndrome. Last evaluated: 2023-09-14. Review status: criteria provided, single submitter. Criteria: Invitae Variant Classification Sherloc (09022015). Collection method: clinical testing. Allele origin: germline.
Comment: For these reasons, this variant has been classified as Pathogenic. This variant has not been reported in the literature in individuals affected with RECQL4-related conditions. This variant is present in population databases (no rsID available, gnomAD 0.003%). This sequence change creates a premature translational stop signal (p.Gln1009Serfs*35) in the RECQL4 gene. It is expected to result in an absent or disrupted protein product. Loss-of-function variants in RECQL4 are known to be pathogenic (PMID: 12734318, 12952869).

Literature cited by the submitters: PubMed 12734318; PubMed 12952869.